The following is an entry in ClinVar:

NM_000090.4(COL3A1):c.2869G>C (p.Gly957Arg)

Gene: COL3A1 (collagen type III alpha 1 chain; plus strand). Cytogenetic location: 2q32.2.
Variant type: single nucleotide variant.
Coding change: c.2869G>C on transcript NM_000090.4 (MANE Select); coding-DNA position 2869, G replaced by C.
Protein change: p.Gly957Arg; replaces glycine 957 with arginine.
Molecular consequence: missense variant.
Genome position (GRCh38, 1-based): chr2:189,004,302, G>C. VCF-style: chr2-189004302-G-C. GRCh37 (hg19) VCF-style: chr2-189869028-G-C.
Other names: short protein forms G957R.
Identifiers: ClinVar variation 4856259 (VCV004856259.1).

ClinVar aggregate classification (germline): Uncertain significance (1 of 4 stars; one submission).

Conditions:
Ehlers-Danlos syndrome, type 4 (EDSVASC). Also called: Ehlers-Danlos syndrome vascular type; Ehlers Danlos syndrome, ecchymotic type; Ehlers Danlos syndrome, arterial type; Ehlers Danlos syndrome, Sack-Barabas type; Ehlers-Danlos Syndrome Type IV. Identifiers: Orphanet 286, MedGen C0268338, MONDO:0017314, OMIM 130050.

Submission:

3billion
Classification: Uncertain significance for Ehlers-Danlos syndrome, type 4. Last evaluated: 2025-09-29. Review status: criteria provided, single submitter. Criteria: ACMG Guidelines, 2015. Collection method: clinical testing. Allele origin: germline. Affected: yes.
Comment: The variant is not observed in the gnomAD v4.1.0 dataset. Predicted Consequence/Location: Missense variant In silico tool predictions suggest damaging effect of the variant on gene or gene product [REVEL: 0.99 (>=0.6, sensitivity 0.68 and specificity 0.92); 3Cnet: 0.99 (> 0.75, sensitivity 0.96 and precision 0.92)]. Different missense changes at the same codon (p.Gly957Asp, p.Gly957Cys, p.Gly957Ser, p.Gly957Val) have been reported as pathogenic/likely pathogenic with strong evidence (ClinVar ID: VCV000101159, VCV000101397, VCV000101446, VCV001458349 /PMID: 24650746, 24922459, 2492273). Therefore, this variant is classified as VUS according to the recommendation of ACMG/AMP guideline.

Literature cited by the submitters: PubMed 24650746.